The following is an entry in ClinVar:

NM_000427.3(LORICRIN):c.157T>C (p.Tyr53His)

Gene: LORICRIN (loricrin cornified envelope precursor protein; plus strand). Cytogenetic location: 1q21.3.
Variant type: single nucleotide variant.
Coding change: c.157T>C on transcript NM_000427.3 (MANE Select); coding-DNA position 157, T replaced by C.
Protein change: p.Tyr53His; replaces tyrosine 53 with histidine.
Molecular consequence: missense variant.
Genome position (GRCh38, 1-based): chr1:153,261,106, T>C. VCF-style: chr1-153261106-T-C. GRCh37 (hg19) VCF-style: chr1-153233582-T-C.
Other names: short protein forms Y53H.
Identifiers: ClinVar variation 4692716 (VCV004692716.1).

ClinVar aggregate classification (germline): Uncertain significance (1 of 4 stars; one submission).

Submission:

Labcorp Genetics (formerly Invitae), Labcorp
Classification: Uncertain significance. Last evaluated: 2025-07-10. Review status: criteria provided, single submitter. Criteria: Invitae Variant Classification Sherloc (09022015). Collection method: clinical testing. Allele origin: germline.
Comment: This sequence change replaces tyrosine, which is neutral and polar, with histidine, which is basic and polar, at codon 53 of the LOR protein (p.Tyr53His). This variant is not present in population databases (gnomAD no frequency). This variant has not been reported in the literature in individuals affected with LOR-related conditions. Experimental studies and prediction algorithms are not available or were not evaluated, and the functional significance of this variant is currently unknown. In summary, the available evidence is currently insufficient to determine the role of this variant in disease. Therefore, it has been classified as a Variant of Uncertain Significance.